The following is an entry in ClinVar:

ClinVar aggregate classification (germline): Uncertain significance (1 of 4 stars; one submission).

Submission:

GeneDx
Classification: Uncertain significance. Last evaluated: 2023-12-03. Review status: criteria provided, single submitter. Criteria: GeneDx Variant Classification Process June 2021. Collection method: clinical testing. Allele origin: germline. Affected: yes.
Comment: Has not been previously published as pathogenic or benign to our knowledge; Not observed at significant frequency in large population cohorts (gnomAD); In silico analysis supports that this missense variant does not alter protein structure/function

NM_001170629.2(CHD8):c.6573G>C (p.Leu2191Phe)

Gene: CHD8 (chromodomain helicase DNA binding protein 8; minus strand). Cytogenetic location: 14q11.2.
Variant type: single nucleotide variant.
Coding change: c.6573G>C on transcript NM_001170629.2 (MANE Select); coding-DNA position 6573, G replaced by C.
Protein change: p.Leu2191Phe; replaces leucine 2191 with phenylalanine.
Molecular consequence: missense variant.
Genome position (GRCh38, 1-based): chr14:21,392,705, C>G on the plus strand (G>C on the coding strand, the complement: CHD8 is on the minus strand). VCF-style: chr14-21392705-C-G. GRCh37 (hg19) VCF-style: chr14-21860864-C-G.
Other names: c.5736G>C, p.Leu1912Phe (NM_020920.4); short protein forms L1912F, L2191F.
Identifiers: ClinVar variation 3365299 (VCV003365299.1).